The following is an entry in ClinVar:

NM_005458.8(GABBR2):c.131G>A (p.Arg44Gln)

Gene: GABBR2 (gamma-aminobutyric acid type B receptor subunit 2; minus strand). Cytogenetic location: 9q22.33.
Variant type: single nucleotide variant.
Coding change: c.131G>A on transcript NM_005458.8 (MANE Select); coding-DNA position 131, G replaced by A.
Protein change: p.Arg44Gln; replaces arginine 44 with glutamine.
Molecular consequence: missense variant.
Genome position (GRCh38, 1-based): chr9:98,708,607, C>T on the plus strand (G>A on the coding strand, the complement: GABBR2 is on the minus strand). VCF-style: chr9-98708607-C-T. GRCh37 (hg19) VCF-style: chr9-101470889-C-T.
Other names: short protein forms R44Q.
Identifiers: ClinVar variation 1015213 (VCV001015213.10), dbSNP rs765018232, ClinGen allele CA5153066.

ClinVar aggregate classification (germline): Uncertain significance. Review status: criteria provided, multiple submitters, no conflicts (2 of 4 stars). 3 submissions from 3 submitters: Uncertain significance (3). Last evaluated 2025-04-17.

Conditions:
Developmental and epileptic encephalopathy, 59. Also called: Early infantile epileptic encephalopathy 59. Identifiers: MedGen C4693550, MONDO:0033368, OMIM 617904.
Tobacco addiction, susceptibility to. Also called: CIGARETTE HABITUATION, SUSCEPTIBILITY TO. Identifiers: MedGen C1861063, MONDO:0100460, OMIM 188890.
Neurodevelopmental disorder with poor language and loss of hand skills. Identifiers: MedGen C4693546, MONDO:0060659, OMIM 617903.
Epileptic encephalopathy. Identifiers: MedGen C0543888, HP:0200134.

Allele frequency attached by ClinVar (database versions not stated): TOPMed 0.00002; gnomAD 0.00003; gnomAD exomes 0.00003; ExAC 0.00010.
gnomAD v4.1: 69 of 1,399,384 alleles (0.0049%); highest among the groups gnomAD compares: Non-Finnish European, 0.006%; no homozygotes.

Submissions (3):

Labcorp Genetics (formerly Invitae), Labcorp
Classification: Uncertain significance for Epileptic encephalopathy. Last evaluated: 2025-04-17. Review status: criteria provided, single submitter. Criteria: Invitae Variant Classification Sherloc (09022015). Collection method: clinical testing. Allele origin: germline.
Comment: This sequence change replaces arginine, which is basic and polar, with glutamine, which is neutral and polar, at codon 44 of the GABBR2 protein (p.Arg44Gln). This variant is present in population databases (rs765018232, gnomAD 0.007%). This variant has not been reported in the literature in individuals affected with GABBR2-related conditions. ClinVar contains an entry for this variant (Variation ID: 1015213). Experimental studies and prediction algorithms are not available or were not evaluated, and the functional significance of this variant is currently unknown. In summary, the available evidence is currently insufficient to determine the role of this variant in disease. Therefore, it has been classified as a Variant of Uncertain Significance.

GeneDx
Classification: Uncertain significance. Last evaluated: 2022-02-01. Review status: criteria provided, single submitter. Criteria: GeneDx Variant Classification Process June 2021. Collection method: clinical testing. Allele origin: germline. Affected: yes.
Comment: In silico analysis supports that this missense variant does not alter protein structure/function; Has not been previously published as pathogenic or benign to our knowledge

Fulgent Genetics
Classification: Uncertain significance for Tobacco addiction, susceptibility to; Neurodevelopmental disorder with poor language and loss of hand skills; Developmental and epileptic encephalopathy, 59. Last evaluated: 2021-08-06. Review status: criteria provided, single submitter. Criteria: ACMG Guidelines, 2015. Collection method: clinical testing. Allele origin: unknown.